The following is an entry in ClinVar:

ClinVar aggregate classification (germline): Conflicting classifications of pathogenicity. Review status: criteria provided, conflicting classifications (1 of 4 stars). 5 submissions from 5 submitters: Uncertain significance (1); Likely benign (3). 1 of the submissions does not count toward it. Last evaluated 2026-01-13.

Conditions:
BLM-related disorder. Also called: BLM-related condition.
Hereditary cancer-predisposing syndrome. Also called: Tumor predisposition; Hereditary Cancer Syndrome; Neoplastic Syndromes, Hereditary; Hereditary neoplastic syndrome. Identifiers: Orphanet 140162, MedGen C0027672, MeSH D009386, MONDO:0015356.
Bloom syndrome (BLM). Also called: Bloom-Torre-Machacek syndrome. Identifiers: Orphanet 125, MedGen C0005859, MONDO:0008876, OMIM 210900.

Allele frequency attached by ClinVar (database versions not stated): ExAC 0.00002; gnomAD exomes 0.00003 and 0.00007; gnomAD 0.00005 and 0.00039; ESP Exome Variant Server 0.00015; TOPMed 0.00059.
gnomAD v4.1: 154 of 1,614,052 alleles (0.0095%); highest among the groups gnomAD compares: Non-Finnish European, 0.0083%; 2 homozygotes.

Submissions (5):

Labcorp Genetics (formerly Invitae), Labcorp
Classification: Likely benign for Bloom syndrome. Last evaluated: 2026-01-13. Review status: criteria provided, single submitter. Criteria: Invitae Variant Classification Sherloc (09022015). Collection method: clinical testing. Allele origin: germline.

GeneDx
Classification: Uncertain significance. Last evaluated: 2024-09-24. Review status: criteria provided, single submitter. Criteria: GeneDx Variant Classification Process June 2021. Collection method: clinical testing. Allele origin: germline. Affected: yes.
Comment: Not observed at significant frequency in large population cohorts (gnomAD); In silico analysis indicates that this variant does not alter splicing; Has not been previously published as pathogenic or benign to our knowledge

Blueprint Genetics
Classification: Likely benign. Last evaluated: 2021-08-10. Review status: criteria provided, single submitter. Criteria: ACMG Guidelines, 2015. Collection method: clinical testing. Allele origin: germline.

Ambry Genetics
Classification: Likely benign for Hereditary cancer-predisposing syndrome. Last evaluated: 2017-04-08. Review status: criteria provided, single submitter. Criteria: Ambry Variant Classification Scheme 2023. Collection method: clinical testing. Allele origin: germline.

PreventionGenetics, part of Exact Sciences
Classification: Likely benign for BLM-related condition. Last evaluated: 2022-06-04. Review status: no assertion criteria provided. Collection method: clinical testing. Allele origin: germline. Not counted in ClinVar's aggregate classification.
Comment: This variant is classified as likely benign based on ACMG/AMP sequence variant interpretation guidelines (Richards et al. 2015 PMID: 25741868, with internal and published modifications).

NM_000057.4(BLM):c.3813G>A (p.Leu1271=)

Gene: BLM (BLM RecQ like helicase; plus strand). Cytogenetic location: 15q26.1.
Variant type: single nucleotide variant.
Coding change: c.3813G>A on transcript NM_000057.4 (MANE Select); coding-DNA position 3813, G replaced by A.
Protein change: p.Leu1271=; no amino-acid change (leucine 1271 retained).
Molecular consequence: synonymous variant.
Genome position (GRCh38, 1-based): chr15:90,809,198, G>A. VCF-style: chr15-90809198-G-A. GRCh37 (hg19) VCF-style: chr15-91352428-G-A.
Other names: c.3813G>A, p.Leu1271= (NM_001287246.2); c.3420G>A, p.Leu1140= (NM_001287247.2); c.2688G>A, p.Leu896= (NM_001287248.2); c.3813G>A (LRG_20t1).
Identifiers: ClinVar variation 485336 (VCV000485336.21), dbSNP rs376082823, ClinGen allele CA7739114.